The following is an entry in ClinVar:

ClinVar aggregate classification (germline): Likely pathogenic (0 of 4 stars; one submission).

Conditions:
Short-rib thoracic dysplasia 8 with or without polydactyly (SRTD8). Also called: SHORT-RIB THORACIC DYSPLASIA 8 WITH POLYDACTYLY. Identifiers: Orphanet 93271, MedGen C3809691, MONDO:0014214, OMIM 615503.

Submission:

Genomic Medicine Center of Excellence, King Faisal Specialist Hospital and Research Centre
Classification: Likely pathogenic for Short-rib thoracic dysplasia 8 with or without polydactyly. Review status: no assertion criteria provided. Collection method: research. Allele origin: germline. Affected: yes.
Comment: It was observed with the other variant NM_018051.5:c.772_775delGAAA

NM_018051.5(DYNC2I1):c.899G>T (p.Arg300Leu)

Gene: DYNC2I1 (dynein 2 intermediate chain 1; plus strand). Cytogenetic location: 7q36.3.
Variant type: single nucleotide variant.
Coding change: c.899G>T on transcript NM_018051.5 (MANE Select); coding-DNA position 899, G replaced by T.
Protein change: p.Arg300Leu; replaces arginine 300 with leucine.
Molecular consequence: missense variant. On other transcripts: 5 prime UTR variant (3), intron variant (1).
Genome position (GRCh38, 1-based): chr7:158,884,583, G>T. VCF-style: chr7-158884583-G-T. GRCh37 (hg19) VCF-style: chr7-158677274-G-T.
Other names: c.761G>T, p.Arg254Leu (NM_001350914.2); c.-460G>T (NM_001350916.2); c.-468G>T (NM_001350917.2); c.-587G>T (NM_001350918.2); c.363-2438G>T (NM_001350915.2); short protein forms R254L, R300L.
Identifiers: ClinVar variation 917970 (VCV000917970.1), dbSNP rs899172501, ClinGen allele CA370181628.